The following is an entry in ClinVar:

NM_001126108.2(SLC12A3):c.569C>A (p.Ser190Ter)

Gene: SLC12A3 (solute carrier family 12 member 3; plus strand). Cytogenetic location: 16q13.
Variant type: single nucleotide variant.
Coding change: c.569C>A on transcript NM_001126108.2 (MANE Select); coding-DNA position 569, C replaced by A.
Protein change: p.Ser190Ter; replaces serine 190 with a stop codon.
Molecular consequence: nonsense.
Genome position (GRCh38, 1-based): chr16:56,869,792, C>A. VCF-style: chr16-56869792-C-A. GRCh37 (hg19) VCF-style: chr16-56903704-C-A.
Other names: c.569C>A, p.Ser190Ter (NM_000339.3); c.566C>A, p.Ser189Ter (NM_001126107.2); short protein forms S189*, S190*.
Identifiers: ClinVar variation 1076695 (VCV001076695.8), dbSNP rs2144688604, ClinGen allele CA395981053.
Genomic context (GRCh38, chr16:56,869,792, plus strand): 5'-TGACCTGGATCATCATCCTGCTGTCGGTCACGGTGACCTCCATCACAGGCCTCTCCATCT[C>A]AGCCATCTCCACCAATGGCAAGGTCAAGTCAGGTGGGCCATCCCCCTTTCCACCAAGGCC-3'

ClinVar aggregate classification (germline): Pathogenic (1 of 4 stars; one submission).

Submission:

Labcorp Genetics (formerly Invitae), Labcorp
Classification: Pathogenic. Last evaluated: 2020-10-07. Review status: criteria provided, single submitter. Criteria: Invitae Variant Classification Sherloc (09022015). Collection method: clinical testing. Allele origin: germline.
Comment: For these reasons, this variant has been classified as Pathogenic. Loss-of-function variants in SLC12A3 are known to be pathogenic (PMID: 20848653, 22009145, 25841442). This variant has not been reported in the literature in individuals with SLC12A3-related conditions. This variant is not present in population databases (ExAC no frequency). This sequence change creates a premature translational stop signal (p.Ser190*) in the SLC12A3 gene. It is expected to result in an absent or disrupted protein product.

Literature cited by the submitters: PubMed 20848653; PubMed 22009145; PubMed 25841442.